The following is an entry in ClinVar:

ClinVar aggregate classification (germline): Uncertain significance (1 of 4 stars; one submission).

gnomAD v4.1: 3 of 1,589,242 alleles (0.00019%); highest among the groups gnomAD compares: Non-Finnish European, 0.00026%; no homozygotes.

Submission:

Labcorp Genetics (formerly Invitae), Labcorp
Classification: Uncertain significance. Last evaluated: 2025-06-04. Review status: criteria provided, single submitter. Criteria: Invitae Variant Classification Sherloc (09022015). Collection method: clinical testing. Allele origin: germline.
Comment: This sequence change replaces glycine, which is neutral and non-polar, with tryptophan, which is neutral and slightly polar, at codon 846 of the RASA2 protein (p.Gly846Trp). The frequency data for this variant in the population databases is considered unreliable, as metrics indicate poor data quality at this position in the gnomAD database. This variant has not been reported in the literature in individuals affected with RASA2-related conditions. An algorithm developed to predict the effect of missense changes on protein structure and function (PolyPhen-2) suggests that this variant is likely to be disruptive. In summary, the available evidence is currently insufficient to determine the role of this variant in disease. Therefore, it has been classified as a Variant of Uncertain Significance.

NM_006506.5(RASA2):c.2536G>T (p.Gly846Trp)

Gene: RASA2 (RAS p21 protein activator 2; plus strand). Cytogenetic location: 3q23.
Variant type: single nucleotide variant.
Coding change: c.2536G>T on transcript NM_006506.5 (MANE Select); coding-DNA position 2536, G replaced by T.
Protein change: p.Gly846Trp; replaces glycine 846 with tryptophan.
Molecular consequence: missense variant.
Genome position (GRCh38, 1-based): chr3:141,612,299, G>T. VCF-style: chr3-141612299-G-T. GRCh37 (hg19) VCF-style: chr3-141331141-G-T.
Other names: c.2539G>T, p.Gly847Trp (NM_001303245.3); c.2548G>T, p.Gly850Trp (NM_001303246.3); short protein forms G850W, G846W, G847W.
Identifiers: ClinVar variation 4765237 (VCV004765237.1).